The following is an entry in ClinVar:

ClinVar aggregate classification (germline): Uncertain significance (1 of 4 stars; one submission).

Conditions:
Primary ciliary dyskinesia. Also called: Ciliary dyskinesia. Identifiers: Orphanet 244, MedGen C0008780, MONDO:0016575, HP:0012265.

Allele frequency attached by ClinVar (database versions not stated): gnomAD 0.00001 and 0.00003; gnomAD exomes 0.00001 and 0.00004; TOPMed 0.00004; ExAC 0.00009; 1000 Genomes Project 30x 0.00016; 1000 Genomes Project 0.00020.

Submission:

Labcorp Genetics (formerly Invitae), Labcorp
Classification: Uncertain significance for Primary ciliary dyskinesia. Last evaluated: 2022-09-13. Review status: criteria provided, single submitter. Criteria: Invitae Variant Classification Sherloc (09022015). Collection method: clinical testing. Allele origin: germline.
Comment: This sequence change replaces serine, which is neutral and polar, with asparagine, which is neutral and polar, at codon 283 of the ZMYND10 protein (p.Ser283Asn). This variant is present in population databases (rs587682566, gnomAD 0.04%). This variant has not been reported in the literature in individuals affected with ZMYND10-related conditions. ClinVar contains an entry for this variant (Variation ID: 454843). Advanced modeling of protein sequence and biophysical properties (such as structural, functional, and spatial information, amino acid conservation, physicochemical variation, residue mobility, and thermodynamic stability) performed at Invitae indicates that this missense variant is not expected to disrupt ZMYND10 protein function. In summary, the available evidence is currently insufficient to determine the role of this variant in disease. Therefore, it has been classified as a Variant of Uncertain Significance.

NM_015896.4(ZMYND10):c.848G>A (p.Ser283Asn)

Gene: ZMYND10 (zinc finger MYND-type containing 10; minus strand). Cytogenetic location: 3p21.31.
Variant type: single nucleotide variant.
Coding change: c.848G>A on transcript NM_015896.4 (MANE Select); coding-DNA position 848, G replaced by A.
Protein change: p.Ser283Asn; replaces serine 283 with asparagine.
Molecular consequence: missense variant.
Genome position (GRCh38, 1-based): chr3:50,342,422, C>T on the plus strand (G>A on the coding strand, the complement: ZMYND10 is on the minus strand). VCF-style: chr3-50342422-C-T. GRCh37 (hg19) VCF-style: chr3-50379853-C-T.
Other names: c.833G>A, p.Ser278Asn (NM_001308379.2); short protein forms S283N, S278N.
Identifiers: ClinVar variation 454843 (VCV000454843.4), dbSNP rs587682566, ClinGen allele CA2417073.